The following is an entry in ClinVar:

ClinVar aggregate classification (germline): Likely benign. Review status: criteria provided, multiple submitters, no conflicts (2 of 4 stars). 9 submissions from 9 submitters: Likely benign (9). Last evaluated 2026-05-01.

Conditions:
Familial medullary thyroid carcinoma (MTC). Also called: Familial Medullary Thyroid Carcinoma (FMTC); Thyroid cancer, familial medullary; MTC, familial. Identifiers: Orphanet 653, Orphanet 99361, MedGen C1833921, MONDO:0007958, OMIM 155240.
Pheochromocytoma. Also called: MAX-Related Hereditary Paraganglioma-Pheochromocytoma Syndrome. Identifiers: Orphanet 29072, MedGen C0031511, MONDO:0008233, OMIM 171300, HP:0002666.
Multiple endocrine neoplasia type 2A. Also called: Multiple Endocrine Neoplasia Type 2A (MEN2A); MULTIPLE ENDOCRINE NEOPLASIA, TYPE IIA; PTC SYNDROME; SIPPLE SYNDROME; MEN 2A; MEN-2A syndrome. Identifiers: Orphanet 247698, Orphanet 653, MedGen C0025268, MeSH D018813, MONDO:0008234, OMIM 171400.
Hirschsprung disease, susceptibility to, 1 (HSCR1). Also called: RET-Related Hirschsprung Disease. Identifiers: Orphanet 388, MedGen C3888239, MONDO:0007723, OMIM 142623.
Multiple endocrine neoplasia type 2B. Also called: WAGENMANN-FROBOESE SYNDROME; MULTIPLE ENDOCRINE NEOPLASIA, TYPE III; MUCOSAL NEUROMA SYNDROME; Multiple Endocrine Neoplasia Type 2B (MEN2B); Multiple endocrine neoplasia, type 3; MULTIPLE ENDOCRINE NEOPLASIA, TYPE IIB. Identifiers: Orphanet 247709, Orphanet 653, MedGen C0025269, MeSH D018814, MONDO:0008082, OMIM 162300.
Hereditary cancer-predisposing syndrome. Also called: Hereditary Cancer Syndrome; Hereditary neoplastic syndrome; Tumor predisposition; Neoplastic Syndromes, Hereditary. Identifiers: Orphanet 140162, MedGen C0027672, MeSH D009386, MONDO:0015356.
Multiple endocrine neoplasia, type 2 (MEN2). Identifiers: Orphanet 653, MedGen C4048306, MONDO:0019003. Disease mechanism: gain of function.

Allele frequency attached by ClinVar (database versions not stated): ExAC 0.00001; gnomAD exomes 0.00001 and 0.00002; gnomAD 0.00007; ESP Exome Variant Server 0.00008; TOPMed 0.00009.
gnomAD v4.1: 24 of 1,612,410 alleles (0.0015%); highest among the groups gnomAD compares: African/African-American, 0.032%; no homozygotes.

Submissions (9):

CeGaT Center for Human Genetics Tuebingen
Classification: Likely benign. Last evaluated: 2026-05-01. Review status: criteria provided, single submitter. Criteria: CeGaT Center For Human Genetics Tuebingen Variant Classification Criteria Version 2. Collection method: clinical testing. Allele origin: germline. Affected: yes. Observed: 1 variant allele.
Comment: RET: BP4, BP7

Labcorp Genetics (formerly Invitae), Labcorp
Classification: Likely benign for Multiple endocrine neoplasia, type 2. Last evaluated: 2026-01-26. Review status: criteria provided, single submitter. Criteria: Invitae Variant Classification Sherloc (09022015). Collection method: clinical testing. Allele origin: germline.

Blueprint Genetics
Classification: Likely benign. Last evaluated: 2024-07-06. Review status: criteria provided, single submitter. Criteria: ACMG Guidelines, 2015. Collection method: clinical testing. Allele origin: germline.

All of Us Research Program, National Institutes of Health
Classification: Likely benign for Multiple endocrine neoplasia, type 2. Last evaluated: 2024-05-14. Review status: criteria provided, single submitter. Criteria: ACMG Guidelines, 2015. Collection method: clinical testing. Allele origin: germline. Inheritance: Autosomal dominant inheritance. Observed: 4 variant alleles, 4 heterozygotes.
Comment: This study involves interpretation of variants in research participants for the purpose of population health screening. Participant phenotype was not available at the time of variant classification. Additional details can be found in publication PMID: 35346344, PMCID: PMC8962531

Color Diagnostics, LLC DBA Color Health
Classification: Likely benign for Multiple endocrine neoplasia, type 2. Last evaluated: 2022-11-06. Review status: criteria provided, single submitter. Criteria: ACMG Guidelines, 2015. Collection method: clinical testing. Allele origin: germline.

Sema4
Classification: Likely benign for Hereditary cancer-predisposing syndrome. Last evaluated: 2022-03-09. Review status: criteria provided, single submitter. Criteria: Sema4 Curation Guidelines. Collection method: curation. Allele origin: germline.

Fulgent Genetics
Classification: Likely benign for Hirschsprung disease, susceptibility to, 1; Familial medullary thyroid carcinoma; Multiple endocrine neoplasia type 2B; Pheochromocytoma; Multiple endocrine neoplasia type 2A. Last evaluated: 2021-11-10. Review status: criteria provided, single submitter. Criteria: ACMG Guidelines, 2015. Collection method: clinical testing. Allele origin: unknown.

GeneDx
Classification: Likely benign. Last evaluated: 2020-12-02. Review status: criteria provided, single submitter. Criteria: GeneDx Variant Classification Process June 2021. Collection method: clinical testing. Allele origin: germline. Affected: yes.

Ambry Genetics
Classification: Likely benign for Hereditary cancer-predisposing syndrome. Last evaluated: 2018-09-10. Review status: criteria provided, single submitter. Criteria: Ambry Variant Classification Scheme 2023. Collection method: clinical testing. Allele origin: germline.

NM_020975.6(RET):c.81G>A (p.Leu27=)

Gene: RET (ret proto-oncogene; plus strand). Cytogenetic location: 10q11.21.
Variant type: single nucleotide variant.
Coding change: c.81G>A on transcript NM_020975.6 (MANE Select); coding-DNA position 81, G replaced by A.
Protein change: p.Leu27=; no amino-acid change (leucine 27 retained).
Molecular consequence: synonymous variant. On other transcripts: intron variant (4).
Genome position (GRCh38, 1-based): chr10:43,100,466, G>A. VCF-style: chr10-43100466-G-A. GRCh37 (hg19) VCF-style: chr10-43595914-G-A.
Other names: c.81G>A, p.Leu27= (NM_000323.2, NM_001406743.1, NM_001406744.1 and 34 more transcripts); c.74-8565G>A (NM_001406784.1); c.74-11633G>A (NM_001406794.1, NM_001406792.1, NM_001406793.1).
Identifiers: ClinVar variation 477388 (VCV000477388.25), dbSNP rs369519655, ClinGen allele CA044971.